The following is an entry in ClinVar:

NM_181303.2(NLGN3):c.457+3G>A

Gene: NLGN3 (neuroligin 3; plus strand). Cytogenetic location: Xq13.1.
Variant type: single nucleotide variant.
Coding change: c.457+3G>A on transcript NM_181303.2 (MANE Select); 3 bases into the intron after coding-DNA position 457, G replaced by A.
Molecular consequence: intron variant.
Genome position (GRCh38, 1-based): chrX:71,148,209, G>A. VCF-style: chrX-71148209-G-A. GRCh37 (hg19) VCF-style: chrX-70368059-G-A.
Other names: c.457+3G>A (NM_018977.4, NM_001166660.2); c.106+3G>A (NM_001321276.2).
Identifiers: ClinVar variation 1704069 (VCV001704069.2), dbSNP rs1206453099, ClinGen allele CA877814391.
Genomic context (GRCh38, chrX:71,148,209, plus strand): 5'-ATCCAGGAGCCCAACGAAGACTGTCTCTACCTGAACGTCTATGTGCCGACGGAGGATGGT[G>A]AGTGCTGCGGCCAGGCACTGTGCCCTCCCTGCCTCCCGCCTGCCCTGCTGTGTTTGTGGC-3'

ClinVar aggregate classification (germline): Uncertain significance (1 of 4 stars; one submission).

Allele frequency attached by ClinVar (database versions not stated): gnomAD 0.00001; gnomAD exomes 0.00001; TOPMed 0.00001.
gnomAD v4.1: 16 of 1,198,127 alleles (0.0013%); highest among the groups gnomAD compares: Non-Finnish European, 0.0018%; no homozygotes.

Submission:

GeneDx
Classification: Uncertain significance. Last evaluated: 2022-03-01. Review status: criteria provided, single submitter. Criteria: GeneDx Variant Classification Process June 2021. Collection method: clinical testing. Allele origin: germline. Affected: yes.
Comment: Not observed at significant frequency in large population cohorts (gnomAD); In silico analysis supports that this variant does not alter splicing; Has not been previously published as pathogenic or benign to our knowledge